The following is an entry in ClinVar:

NM_000059.4(BRCA2):c.4415del (p.Lys1472fs)

Gene: BRCA2 (BRCA2 DNA repair associated; plus strand). Cytogenetic location: 13q13.1.
Variant type: Deletion.
Coding change: c.4415del on transcript NM_000059.4 (MANE Select); coding-DNA position 4415, one base deleted (A; older notation c.4415delA).
Protein change: p.Lys1472fs; shifts the reading frame from lysine 1472.
Molecular consequence: frameshift variant. On other transcripts: non-coding transcript variant (1), intron variant (2).
Genome position (GRCh38, 1-based): chr13:32,338,770, A deleted; the last of 3 consecutive A bases (chr13:32,338,768-32,338,770); deleting any one gives the same sequence. VCF-style (leftmost placement, unchanged base first): chr13-32338767-GA-G. GRCh37 (hg19) VCF-style: chr13-32912904-GA-G.
Other names: c.4415del, p.Lys1472fs (NM_001406720.1, NM_001432077.1, NM_001406719.1); c.1909+5383del (NM_001406721.1); c.425-5788del (NM_001406722.1); short protein forms K1472fs.
Identifiers: ClinVar variation 3893013 (VCV003893013.2).

ClinVar aggregate classification (germline): Pathogenic. Review status: criteria provided, multiple submitters, no conflicts (2 of 4 stars). 2 submissions from 2 submitters: Pathogenic (2). Last evaluated 2026-04-10.

Conditions:
Breast-ovarian cancer, familial, susceptibility to, 2 (BROVCA2). Also called: BRCA2 Hereditary Breast and Ovarian Cancer. Identifiers: Orphanet 145, MedGen C2675520, MONDO:0012933, OMIM 612555. Disease mechanism: loss of function.
Wilms tumor 1 (WT1). Also called: Wilms tumor, somatic. Identifiers: Orphanet 654, MedGen CN033288, MONDO:0008679, OMIM 194070.
Familial prostate cancer. Also called: Hereditary Prostate Cancer. Identifiers: MedGen C2931456, MONDO:0700275, OMIM 176807.
Glioma susceptibility 3 (GLM3). Also called: Glioblastoma 3. Identifiers: Orphanet 182067, Orphanet 360, MedGen C2751641, MONDO:0013093, OMIM 613029.
Familial cancer of breast. Also called: BREAST CANCER, FAMILIAL; Hereditary breast cancer; hereditary breast carcinoma. Identifiers: Orphanet 227535, MedGen C0346153, MONDO:0016419, OMIM 114480. Disease mechanism: loss of function.
Pancreatic cancer, susceptibility to, 2. Identifiers: Orphanet 1333, MedGen C3150546, MONDO:0013235, OMIM 613347.
Fanconi anemia complementation group D1. Also called: BRCA2-Related Fanconi Anemia. Identifiers: Orphanet 319462, MedGen C1838457, MONDO:0011584, OMIM 605724.
Medulloblastoma (MDB). Also called: Medulloblastoma, somatic; MEDULLOBLASTOMA PREDISPOSITION SYNDROME. Identifiers: Orphanet 616, MedGen C0025149, MeSH D008527, MONDO:0007959, OMIM 155255, HP:0002885.

Submissions (2):

Myriad Genetics, Inc.
Classification: Pathogenic for Breast-ovarian cancer, familial, susceptibility to, 2. Last evaluated: 2026-04-10. Review status: criteria provided, single submitter. Criteria: Myriad Autosomal Dominant, Autosomal Recessive and X-Linked Classification Criteria (2023). Collection method: clinical testing. Allele origin: unknown.
Comment: This variant is considered pathogenic. This variant creates a frameshift predicted to result in premature protein truncation.

Department of Pathology and Laboratory Medicine, Sinai Health System
Classification: Pathogenic for Familial cancer of breast; Medulloblastoma; Familial prostate cancer; Wilms tumor 1; Fanconi anemia complementation group D1; Breast-ovarian cancer, familial, susceptibility to, 2; Glioma susceptibility 3; Pancreatic cancer, susceptibility to, 2. Last evaluated: 2021-03-15. Review status: criteria provided, single submitter. Criteria: ACMG Guidelines, 2015. Collection method: clinical testing. Allele origin: germline.